The following is an entry in ClinVar:

NM_006767.4(LZTR1):c.73G>T (p.Ala25Ser)

Genes: LZTR1 (leucine zipper like post translational regulator 1; plus strand), LOC130067016 (ATAC-STARR-seq lymphoblastoid silent region 13504; plus strand). Cytogenetic location: 22q11.21.
Variant type: single nucleotide variant.
Coding change: c.73G>T on transcript NM_006767.4 (MANE Select); coding-DNA position 73, G replaced by T.
Protein change: p.Ala25Ser; replaces alanine 25 with serine.
Molecular consequence: missense variant.
Genome position (GRCh38, 1-based): chr22:20,982,444, G>T. VCF-style: chr22-20982444-G-T. GRCh37 (hg19) VCF-style: chr22-21336733-G-T.
Other names: short protein forms A25S.
Identifiers: ClinVar variation 1501876 (VCV001501876.12), dbSNP rs780281625, ClinGen allele CA322316141.

ClinVar aggregate classification (germline): Uncertain significance. Review status: criteria provided, multiple submitters, no conflicts (2 of 4 stars). 2 submissions from 2 submitters: Uncertain significance (2). Last evaluated 2025-12-14.

Conditions:
Cardiovascular phenotype. Identifiers: MedGen CN230736.
Hereditary cancer-predisposing syndrome. Also called: Hereditary neoplastic syndrome; Tumor predisposition; Neoplastic Syndromes, Hereditary; Hereditary Cancer Syndrome. Identifiers: Orphanet 140162, MedGen C0027672, MeSH D009386, MONDO:0015356.

Allele frequency attached by ClinVar (database versions not stated): gnomAD 0.00001; gnomAD exomes 0.00003.
gnomAD v4.1: 43 of 1,591,138 alleles (0.0027%); highest among the groups gnomAD compares: Non-Finnish European, 0.0037%; no homozygotes.

Submissions (2):

Labcorp Genetics (formerly Invitae), Labcorp
Classification: Uncertain significance. Last evaluated: 2025-12-14. Review status: criteria provided, single submitter. Criteria: Invitae Variant Classification Sherloc (09022015). Collection method: clinical testing. Allele origin: germline.
Comment: This sequence change replaces alanine, which is neutral and non-polar, with serine, which is neutral and polar, at codon 25 of the LZTR1 protein (p.Ala25Ser). This variant is present in population databases (rs780281625, gnomAD 0.007%). This variant has not been reported in the literature in individuals affected with LZTR1-related conditions. ClinVar contains an entry for this variant (Variation ID: 1501876). Invitae Evidence Modeling of protein sequence and biophysical properties (such as structural, functional, and spatial information, amino acid conservation, physicochemical variation, residue mobility, and thermodynamic stability) indicates that this missense variant is not expected to disrupt LZTR1 protein function with a negative predictive value of 80%. In summary, the available evidence is currently insufficient to determine the role of this variant in disease. Therefore, it has been classified as a Variant of Uncertain Significance.

Ambry Genetics
Classification: Uncertain significance for Cardiovascular phenotype; Hereditary cancer-predisposing syndrome. Last evaluated: 2024-11-23. Review status: criteria provided, single submitter. Criteria: Ambry Variant Classification Scheme 2023. Collection method: clinical testing. Allele origin: germline.
Comment: The p.A25S variant (also known as c.73G>T), located in coding exon 1 of the LZTR1 gene, results from a G to T substitution at nucleotide position 73. The alanine at codon 25 is replaced by serine, an amino acid with similar properties. This amino acid position is highly conserved in available vertebrate species. In addition, the in silico prediction for this alteration is inconclusive. Since supporting evidence is limited at this time, the clinical significance of this alteration remains unclear.